The following is an entry in ClinVar:

NM_001165963.4(SCN1A):c.5161A>C (p.Thr1721Pro)

Genes: SCN1A (sodium voltage-gated channel alpha subunit 1; minus strand), LOC102724058 (uncharacterized LOC102724058; plus strand). Cytogenetic location: 2q24.3.
Variant type: single nucleotide variant.
Coding change: c.5161A>C on transcript NM_001165963.4 (MANE Select); coding-DNA position 5161, A replaced by C.
Protein change: p.Thr1721Pro; replaces threonine 1721 with proline.
Molecular consequence: missense variant. On other transcripts: non-coding transcript variant (1).
Genome position (GRCh38, 1-based): chr2:165,992,114, T>G on the plus strand (A>C on the coding strand, the complement: SCN1A is on the minus strand). VCF-style: chr2-165992114-T-G. GRCh37 (hg19) VCF-style: chr2-166848624-T-G.
Other names: c.5077A>C, p.Thr1693Pro (NM_001165964.3, NM_001353957.2, NM_001353958.2); c.5161A>C, p.Thr1721Pro (NM_001202435.3, NM_001353948.2); c.5128A>C, p.Thr1710Pro (NM_001353949.2, NM_001353950.2, NM_001353951.2 and 2 more transcripts); c.5125A>C, p.Thr1709Pro (NM_001353954.2, NM_001353955.2); c.5074A>C, p.Thr1692Pro (NM_001353960.2); c.2719A>C, p.Thr907Pro (NM_001353961.2); short protein forms T1692P, T1693P, T1709P, T1710P, T1721P, T907P.
Identifiers: ClinVar variation 3385393 (VCV003385393.2).

ClinVar aggregate classification (germline): Likely pathogenic (1 of 4 stars; one submission).

Conditions:
Generalized epilepsy with febrile seizures plus, type 2 (GEFSP2). Also called: GEFS+, TYPE 2. Identifiers: Orphanet 36387, MedGen C1858673, MONDO:0011461, OMIM 604403.

Submission:

Institute of Human Genetics, University of Leipzig Medical Center
Classification: Likely pathogenic for Generalized epilepsy with febrile seizures plus, type 2. Last evaluated: 2024-11-26. Review status: criteria provided, single submitter. Criteria: ACMG Guidelines, 2015. Collection method: clinical testing. Allele origin: unknown. Inheritance: Autosomal dominant inheritance. Affected: yes.
Comment: Criteria applied: PM5_STR,PP3_MOD,PM2_SUP